The following is an entry in ClinVar:

NM_004656.4(BAP1):c.1234A>G (p.Thr412Ala)

Gene: BAP1 (BRCA1 associated deubiquitinase 1; minus strand). Cytogenetic location: 3p21.1.
Variant type: single nucleotide variant.
Coding change: c.1234A>G on transcript NM_004656.4 (MANE Select); coding-DNA position 1234, A replaced by G.
Protein change: p.Thr412Ala; replaces threonine 412 with alanine.
Molecular consequence: missense variant.
Genome position (GRCh38, 1-based): chr3:52,404,469, T>C on the plus strand (A>G on the coding strand, the complement: BAP1 is on the minus strand). VCF-style: chr3-52404469-T-C. GRCh37 (hg19) VCF-style: chr3-52438485-T-C.
Other names: c.1234A>G (NM_004656.2); short protein forms T412A.
Identifiers: ClinVar variation 971494 (VCV000971494.8), dbSNP rs1705080758, ClinGen allele CA353102793.
Genomic context (GRCh38, chr3:52,404,469, plus strand): 5'-TCCGAAGCACCTAGAACCTGGTAGCCTTAGAAAGCTGGGCTGACCTAAGGGCAGAGTTGG[T>C]GTTCTGCACGTCATCCTCCTCGTCATCCTCATAGTCATCCTCATCATCTGAGTACTGCTG-3'
Protein context (NP_004647.1, residues 402-422): EDDEEDDVQN[Thr412Ala]NSALRYKGKG

ClinVar aggregate classification (germline): Uncertain significance. Review status: criteria provided, multiple submitters, no conflicts (2 of 4 stars). 2 submissions from 2 submitters: Uncertain significance (2). Last evaluated 2025-03-03.

Conditions:
BAP1-related tumor predisposition syndrome (TPDS1). Also called: TUMOR PREDISPOSITION SYNDROME 1; Tumor susceptibility linked to germline BAP1 mutations; BAP1 tumor predisposition syndrome; COMMON Syndrome. Identifiers: Orphanet 289539, MedGen C3280492, MONDO:0013692, OMIM 614327.
Hereditary cancer-predisposing syndrome. Also called: Neoplastic Syndromes, Hereditary; Hereditary Cancer Syndrome; Tumor predisposition; Hereditary neoplastic syndrome. Identifiers: Orphanet 140162, MedGen C0027672, MeSH D009386, MONDO:0015356.

Submissions (2):

Labcorp Genetics (formerly Invitae), Labcorp
Classification: Uncertain significance for BAP1-related tumor predisposition syndrome. Last evaluated: 2025-03-03. Review status: criteria provided, single submitter. Criteria: Invitae Variant Classification Sherloc (09022015). Collection method: clinical testing. Allele origin: germline.
Comment: This sequence change replaces threonine, which is neutral and polar, with alanine, which is neutral and non-polar, at codon 412 of the BAP1 protein (p.Thr412Ala). This variant is not present in population databases (gnomAD no frequency). This variant has not been reported in the literature in individuals affected with BAP1-related conditions. ClinVar contains an entry for this variant (Variation ID: 971494). Invitae Evidence Modeling of protein sequence and biophysical properties (such as structural, functional, and spatial information, amino acid conservation, physicochemical variation, residue mobility, and thermodynamic stability) indicates that this missense variant is not expected to disrupt BAP1 protein function with a negative predictive value of 80%. In summary, the available evidence is currently insufficient to determine the role of this variant in disease. Therefore, it has been classified as a Variant of Uncertain Significance.

Ambry Genetics
Classification: Uncertain significance for Hereditary cancer-predisposing syndrome. Last evaluated: 2023-05-06. Review status: criteria provided, single submitter. Criteria: Ambry Variant Classification Scheme 2023. Collection method: clinical testing. Allele origin: germline.
Comment: The p.T412A variant (also known as c.1234A>G), located in coding exon 12 of the BAP1 gene, results from an A to G substitution at nucleotide position 1234. The threonine at codon 412 is replaced by alanine, an amino acid with similar properties. This amino acid position is conserved. In addition, this alteration is predicted to be tolerated by in silico analysis. Since supporting evidence is limited at this time, the clinical significance of this alteration remains unclear.